The following is an entry in ClinVar:

ClinVar aggregate classification (germline): Pathogenic (1 of 4 stars; one submission).

Conditions:
Bardet-Biedl syndrome (BBS). Identifiers: Orphanet 110, MedGen C0752166, MONDO:0015229.

Submission:

Labcorp Genetics (formerly Invitae), Labcorp
Classification: Pathogenic for Bardet-Biedl syndrome. Last evaluated: 2025-02-11. Review status: criteria provided, single submitter. Criteria: Invitae Variant Classification Sherloc (09022015). Collection method: clinical testing. Allele origin: germline.
Comment: This sequence change creates a premature translational stop signal (p.Lys296Argfs*32) in the TRIM32 gene. While this is not anticipated to result in nonsense mediated decay, it is expected to disrupt the last 358 amino acid(s) of the TRIM32 protein. This variant is present in population databases (rs770884964, gnomAD 0.007%). This variant has not been reported in the literature in individuals affected with TRIM32-related conditions. ClinVar contains an entry for this variant (Variation ID: 2730382). This variant disrupts a region of the TRIM32 protein in which other variant(s) (p.Val591Met ) have been determined to be pathogenic (PMID: 30823891). This suggests that this is a clinically significant region of the protein, and that variants that disrupt it are likely to be disease-causing. For these reasons, this variant has been classified as Pathogenic.

Literature cited by the submitters: PubMed 30823891.

NM_012210.4(TRIM32):c.885del (p.Lys296fs)

Genes: ASTN2 (astrotactin 2; minus strand), TRIM32 (tripartite motif containing 32; plus strand). Cytogenetic location: 9q33.1.
Variant type: Deletion.
Coding change: c.885del on transcript NM_012210.4 (MANE Select); coding-DNA position 885, one base deleted (T; older notation c.885delT).
Protein change: p.Lys296fs; shifts the reading frame from lysine 296.
Molecular consequence: frameshift variant. On other transcripts: intron variant (3).
Genome position (GRCh38, 1-based): chr9:116,698,627, T deleted; the last of 2 consecutive T bases (chr9:116,698,626-116,698,627); deleting either gives the same sequence. VCF-style (leftmost placement, unchanged base first): chr9-116698625-GT-G. GRCh37 (hg19) VCF-style: chr9-119460904-GT-G.
Other names: c.885del, p.Lys296fs (NM_001099679.2, NM_001379048.1, NM_001379049.1 and 1 more transcripts); c.2653+27145del (NM_014010.5); c.2794+27145del (NM_001365069.1); c.2806+27145del (NM_001365068.1); short protein forms K296fs.
Identifiers: ClinVar variation 2730382 (VCV002730382.3), dbSNP rs770884964, ClinGen allele CA5211063.